The following is an entry in ClinVar:

ClinVar aggregate classification (germline): Pathogenic. Review status: criteria provided, multiple submitters, no conflicts (2 of 4 stars). 10 submissions from 10 submitters: Pathogenic (9). 1 of the submissions does not count toward it. Last evaluated 2026-01-30.

Conditions:
NPHS1-related disorder. Also called: NPHS1-related condition.
Finnish congenital nephrotic syndrome (NPHS1). Also called: NEPHROTIC SYNDROME, TYPE 1. Identifiers: Orphanet 839, MedGen C0403399, MONDO:0009732, OMIM 256300.

Submissions (10):

Victorian Clinical Genetics Services, Murdoch Childrens Research Institute
Classification: Pathogenic for Finnish congenital nephrotic syndrome. Last evaluated: 2026-01-30. Review status: criteria provided, single submitter. Criteria: ACMG Guidelines, 2015. Collection method: clinical testing. Allele origin: germline. Affected: yes.
Comment: This variant is classified as Pathogenic. Evidence in support of pathogenic classification: Variant is predicted to cause nonsense-mediated decay (NMD) and loss of protein (premature termination codon is located at least 54 nucleotides upstream of the final exon-exon junction); Variant is present in gnomAD <0.01 for a recessive condition (v4: 55 heterozygote(s), 0 homozygote(s)); This variant has strong previous evidence of pathogenicity in unrelated individuals. This variant has been classified as pathogenic by diagnostic laboratories in ClinVar; Other NMD-predicted variant(s) comparable to the one identified in this case have very strong previous evidence for pathogenicity (ClinVar). Additional information: This variant is heterozygous; This gene is associated with autosomal recessive disease; Loss of function is a known mechanism of disease in this gene and is associated with nephrotic syndrome, type 1 (MIM#256300).

Labcorp Genetics (formerly Invitae), Labcorp
Classification: Pathogenic. Last evaluated: 2025-09-12. Review status: criteria provided, single submitter. Criteria: Invitae Variant Classification Sherloc (09022015). Collection method: clinical testing. Allele origin: germline.
Comment: This sequence change creates a premature translational stop signal (p.Asn870Profs*36) in the NPHS1 gene. It is expected to result in an absent or disrupted protein product. Loss-of-function variants in NPHS1 are known to be pathogenic (PMID: 11317351, 11854170, 12039988). This variant is present in population databases (rs386833921, gnomAD 0.007%). This premature translational stop signal has been observed in individuals with nephrotic syndrome (PMID: 9915943, 19406966, 23949594). ClinVar contains an entry for this variant (Variation ID: 56482). For these reasons, this variant has been classified as Pathogenic.

Natera, Inc.
Classification: Pathogenic for Finnish congenital nephrotic syndrome. Last evaluated: 2025-04-23. Review status: criteria provided, single submitter. Criteria: Natera Variant Classification Schema (03/2026). Collection method: clinical testing. Allele origin: germline.
Comment: The c.2606_2607dupCC variant in NPHS1 is a frameshift variant predicted to shift the reading frame beginning at codon 870 and leads to a stop codon 36 codons downstream. This variant is expected to result in nonsense mediated decay, truncation, or a dysfunctional protein product. This variant is rare in the general population with a frequency below the threshold expected for the associated phenotype(s). This variant has been observed in one or more individuals affected with the associated recessive disease, as either homozygous or compound heterozygous with a second variant (PMID: 9915943, 17371932, 25349199). Given the available evidence, this variant is classified as Pathogenic.

GeneDx
Classification: Pathogenic. Last evaluated: 2025-03-10. Review status: criteria provided, single submitter. Criteria: GeneDx Variant Classification Process June 2021. Collection method: clinical testing. Allele origin: germline.
Comment: Frameshift variant predicted to result in protein truncation or nonsense mediated decay in a gene for which loss of function is a known mechanism of disease; Not observed at significant frequency in large population cohorts (gnomAD); This variant is associated with the following publications: (PMID: 23949594, 38444459, 9915943)

PreventionGenetics, part of Exact Sciences
Classification: Pathogenic for NPHS1-related condition. Last evaluated: 2025-01-29. Review status: criteria provided, single submitter. Criteria: ACMG Guidelines, 2015. Collection method: clinical testing. Allele origin: germline.
Comment: The NPHS1 c.2606_2607dupCC variant is predicted to result in a frameshift and premature protein termination (p.Asn870Profs*36). This variant has been reported in the compound heterozygous state with other NPHS1 loss-of-function variants in multiple patients with congenital nephrotic syndrome [see for example, reported as nt2607(insCC) in Table 1, Lenkkeri et al. 1999. PubMed ID: 9915943: reported as p.N870fs905X in Table S1, Machuca et al. 2010. PubMed ID: 20507940 and Appendix Table, Hinkes et al. 2007. PubMed ID: 17371932]. This variant is reported in 0.0064% of alleles in individuals of African descent in gnomAD. Frameshift variants in NPHS1 are expected to be pathogenic. This variant is interpreted as pathogenic.

Fulgent Genetics
Classification: Pathogenic for Finnish congenital nephrotic syndrome. Last evaluated: 2024-05-22. Review status: criteria provided, single submitter. Criteria: ACMG Guidelines, 2015. Collection method: clinical testing. Allele origin: germline.

Illumina Laboratory Services, Illumina
Classification: Pathogenic for Finnish congenital nephrotic syndrome. Last evaluated: 2023-06-15. Review status: criteria provided, single submitter. Criteria: ICSLVariantClassificationCriteria RUGD 01 April 2020. Collection method: clinical testing. Allele origin: unknown.
Comment: The NPHS1 c.2606_2607dup (p.Asn870ProfsTer36) variant causes a shift in the protein reading frame that is predicted to result in premature termination of the protein. Loss of normal protein function through either protein truncation or nonsense-mediated mRNA decay is expected. This variant has been reported in four individuals with congenital nephrotic syndrome (CNS). In two individuals, the p.Asn870ProfsTer36 variant was identified in trans with a frameshift variant and a pathogenic missense (PMID: 17371932; 25349199). A second variant was not reported for the two other individuals. (PMID: 9915943; 20507940). This variant is not observed at a significant frequency in version 2.1.1 or version 3.1.2 of the Genome Aggregation Database. Based on the available evidence, the c.2606_2607dup (p.Asn870ProfsTer36) variant is classified as pathogenic for congenital nephrotic syndrome.

Women's Health and Genetics/Laboratory Corporation of America, LabCorp
Classification: Pathogenic for Finnish congenital nephrotic syndrome. Last evaluated: 2021-07-01. Review status: criteria provided, single submitter. Criteria: LabCorp Variant Classification Summary - May 2015. Collection method: clinical testing. Allele origin: germline.
Comment: Variant summary: NPHS1 c.2606_2607dupCC (p.Asn870ProfsX36) results in a premature termination codon, predicted to cause a truncation of the encoded protein or absence of the protein due to nonsense mediated decay, which are commonly known mechanisms for disease. Truncations downstream of this position have been classified as pathogenic by our laboratory. The variant allele was found at a frequency of 1.6e-05 in 243772 control chromosomes (gnomAD). The variant, c.2606_2607dupCC, has been reported in the literature in several compound heterozygous individuals affected with Nephrotic Syndrome, Type 1 (Lenkkeri_1999, Hinkes_2007, Machuca_2010, Wong_2013, Sadowski_2014). These data indicate that the variant is likely to be associated with disease. To our knowledge, no experimental evidence demonstrating an impact on protein function has been reported. One clinical diagnostic laboratory has submitted clinical-significance assessments for this variant to ClinVar after 2014, and classified the variant as pathogenic. Based on the evidence outlined above, the variant was classified as pathogenic.

Athena Diagnostics
Classification: Pathogenic. Last evaluated: 2020-12-01. Review status: criteria provided, single submitter. Criteria: Athena Diagnostics criteria. Collection method: clinical testing. Allele origin: unknown.
Comment: This variant is expected to result in the loss of a functional protein. The frequency of this variant in the general population is consistent with pathogenicity. This variant has been identified in at least one individual with clinical features associated with this gene. In multiple individuals, this variant has been seen with a single recessive pathogenic variant in the same gene, suggesting this variant may also be pathogenic.

Juha Muilu Group; Institute for Molecular Medicine Finland (FIMM)
Classification: Likely pathogenic for Finnish congenital nephrotic syndrome. Review status: no assertion criteria provided. Collection method: not provided. Allele origin: unknown. Not counted in ClinVar's aggregate classification.
Comment: FinDis database variant: This variant was not found or characterized by our laboratory, data were collected from public sources: see reference
ClinVar note: Converted during submission from probable-pathogenic to Likely pathogenic.

Literature cited by the submitters: PubMed 11317351 (cited by Labcorp Genetics (formerly Invitae), Labcorp); PubMed 11854170 (cited by Labcorp Genetics (formerly Invitae), Labcorp); PubMed 12039988 (cited by Labcorp Genetics (formerly Invitae), Labcorp); PubMed 9915943 (cited by 5 submitters); PubMed 19406966 (cited by Labcorp Genetics (formerly Invitae), Labcorp); PubMed 23949594 (cited by 3 submitters); PubMed 17371932 (cited by 3 submitters); PubMed 25349199 (cited by 3 submitters); PubMed 20507940 (cited by Illumina Laboratory Services, Illumina and Women's Health and Genetics/Laboratory Corporation of America, LabCorp); PubMed 26668027 (cited by Women's Health and Genetics/Laboratory Corporation of America, LabCorp and Athena Diagnostics).

NM_004646.4(NPHS1):c.2606_2607dup (p.Asn870fs)

Gene: NPHS1 (NPHS1 adhesion molecule, nephrin; minus strand). Cytogenetic location: 19q13.12.
Variant type: Duplication.
Coding change: c.2606_2607dup on transcript NM_004646.4 (MANE Select); coding-DNA positions 2606 to 2607, 2 bases duplicated (CC; older notation c.2606_2607dupCC).
Protein change: p.Asn870fs; shifts the reading frame from asparagine 870.
Molecular consequence: frameshift variant.
Genome position (GRCh38, 1-based): chr19:35,842,180-35,842,181, GG duplicated on the plus strand (CC on the coding strand, the reverse complement: NPHS1 is on the minus strand); duplicating any 2 consecutive bases within chr19:35,842,180-35,842,183 gives the same sequence; the c. name uses the placement nearest the transcript's 3' end. VCF-style (leftmost placement, unchanged base first): chr19-35842179-T-TGG. GRCh37 (hg19) VCF-style: chr19-36333081-T-TGG.
Other names: c.2606_2607dupCC (NM_004646.3); short protein forms N870fs.
Identifiers: ClinVar variation 56482 (VCV000056482.25), dbSNP rs386833921, ClinGen allele CA250202.